The following is an entry in ClinVar:

ClinVar aggregate classification (germline): Pathogenic/Likely pathogenic. Review status: criteria provided, multiple submitters, no conflicts (2 of 4 stars). 2 submissions from 2 submitters: Pathogenic (1); Likely pathogenic (1). Last evaluated 2023-10-24.

Conditions:
Familial adenomatous polyposis 1 (FAP1). Also called: FAMILIAL ADENOMATOUS POLYPOSIS 1, ATTENUATED; POLYPOSIS, ADENOMATOUS INTESTINAL. Identifiers: MedGen C2713442, MONDO:0021056, OMIM 175100. Disease mechanism: loss of function.

Submissions (2):

Baylor Genetics
Classification: Likely pathogenic for Familial adenomatous polyposis 1. Last evaluated: 2023-10-24. Review status: criteria provided, single submitter. Criteria: ACMG Guidelines, 2015. Collection method: clinical testing. Allele origin: unknown.

Myriad Genetics, Inc.
Classification: Pathogenic for Familial adenomatous polyposis 1. Last evaluated: 2023-05-03. Review status: criteria provided, single submitter. Criteria: Myriad Autosomal Dominant, Autosomal Recessive and X-Linked Classification Criteria (2023). Collection method: clinical testing. Allele origin: unknown.
Comment: This variant is considered pathogenic. This variant creates a frameshift predicted to result in premature protein truncation.

NM_000038.6(APC):c.1879_1880del (p.Asn627fs)

Gene: APC (APC regulator of Wnt signaling pathway; plus strand). Cytogenetic location: 5q22.2.
Variant type: Deletion.
Coding change: c.1879_1880del on transcript NM_000038.6 (MANE Select); coding-DNA positions 1879 to 1880, 2 bases deleted (AA; older notation c.1879_1880delAA).
Protein change: p.Asn627fs; shifts the reading frame from asparagine 627.
Molecular consequence: frameshift variant. On other transcripts: non-coding transcript variant (2).
Genome position (GRCh38, 1-based): chr5:112,835,086-112,835,087, AA deleted; deleting any 2 consecutive bases within chr5:112,835,085-112,835,087 gives the same sequence; the c. name uses the placement nearest the transcript's 3' end. VCF-style (leftmost placement, unchanged base first): chr5-112835084-CAA-C. GRCh37 (hg19) VCF-style: chr5-112170781-CAA-C.
Other names: c.1879_1880del, p.Asn627fs (NM_001127510.3, NM_001354895.2, NM_001407450.1); c.1825_1826del, p.Asn609fs (NM_001127511.3); c.1933_1934del, p.Asn645fs (NM_001354896.2, NM_001407447.1, NM_001407448.1 and 1 more transcripts); c.1909_1910del, p.Asn637fs (NM_001354897.2); c.1804_1805del, p.Asn602fs (NM_001354898.2); c.1795_1796del, p.Asn599fs (NM_001354899.2); c.1756_1757del, p.Asn586fs (NM_001354900.2); c.1702_1703del, p.Asn568fs (NM_001354901.2, NM_001407453.1); and 11 more; short protein forms N243fs, N344fs, N467fs, N498fs, N501fs, N526fs, N536fs, N544fs.
Identifiers: ClinVar variation 2584158 (VCV002584158.2), dbSNP rs2533339978, ClinGen allele CA2582341354.